The following is an entry in ClinVar:

NM_003098.3(SNTA1):c.1256G>A (p.Arg419His)

Gene: SNTA1 (syntrophin alpha 1; minus strand). Cytogenetic location: 20q11.21.
Variant type: single nucleotide variant.
Coding change: c.1256G>A on transcript NM_003098.3 (MANE Select); coding-DNA position 1256, G replaced by A.
Protein change: p.Arg419His; replaces arginine 419 with histidine.
Molecular consequence: missense variant.
Genome position (GRCh38, 1-based): chr20:33,408,870, C>T on the plus strand (G>A on the coding strand, the complement: SNTA1 is on the minus strand). VCF-style: chr20-33408870-C-T. GRCh37 (hg19) VCF-style: chr20-31996676-C-T.
Other names: p.R419H:CGT>CAT; short protein forms R419H.
Identifiers: ClinVar variation 190921 (VCV000190921.11), dbSNP rs751302839, ClinGen allele CA302291.

ClinVar aggregate classification (germline): Uncertain significance. Review status: criteria provided, multiple submitters, no conflicts (2 of 4 stars). 3 submissions from 3 submitters: Uncertain significance (3). Last evaluated 2024-12-30.

Conditions:
Cardiovascular phenotype. Identifiers: MedGen CN230736.
Long QT syndrome 12 (LQT12). Identifiers: Orphanet 101016, Orphanet 768, MedGen C2751830, MONDO:0013062, OMIM 612955.

Allele frequency attached by ClinVar (database versions not stated): gnomAD 0.00001; gnomAD exomes 0.00001 and 0.00002; TOPMed 0.00001; ExAC 0.00002.
gnomAD v4.1: 12 of 1,613,904 alleles (0.00074%); highest among the groups gnomAD compares: South Asian, 0.0033%; no homozygotes.

Submissions (3):

Ambry Genetics
Classification: Uncertain significance for Cardiovascular phenotype. Last evaluated: 2024-12-30. Review status: criteria provided, single submitter. Criteria: Ambry Variant Classification Scheme 2023. Collection method: clinical testing. Allele origin: germline.

GeneDx
Classification: Uncertain significance. Last evaluated: 2024-04-30. Review status: criteria provided, single submitter. Criteria: GeneDx Variant Classification Process June 2021. Collection method: clinical testing. Allele origin: germline. Affected: yes.
Comment: Not observed at significant frequency in large population cohorts (gnomAD); In silico analysis indicates that this missense variant does not alter protein structure/function; Has not been previously published as pathogenic or benign to our knowledge

Illumina Laboratory Services, Illumina
Classification: Uncertain significance for Long QT syndrome 12. Last evaluated: 2018-01-13. Review status: criteria provided, single submitter. Criteria: ICSL Variant Classification Criteria 13 December 2019. Collection method: clinical testing. Allele origin: germline.